The following is an entry in ClinVar:

ClinVar aggregate classification (germline): Uncertain significance. Review status: criteria provided, multiple submitters, no conflicts (2 of 4 stars). 2 submissions from 2 submitters: Uncertain significance (2). Last evaluated 2026-01-12.

Conditions:
Growth hormone insensitivity with immune dysregulation 1, autosomal recessive. Also called: GROWTH HORMONE INSENSITIVITY DUE TO POSTRECEPTOR DEFECT; Laron syndrome with immunodeficiency; GROWTH HORMONE INSENSITIVITY SYNDROME WITH IMMUNE DYSREGULATION 1, AUTOSOMAL RECESSIVE; LARON SYNDROME DUE TO POSTRECEPTOR DEFECT. Identifiers: Orphanet 220465, MedGen C5435698, MONDO:0100211, OMIM 245590.

Allele frequency attached by ClinVar (database versions not stated): gnomAD 0.00002; TOPMed 0.00002.
gnomAD v4.1: 8 of 1,613,600 alleles (0.0005%); highest among the groups gnomAD compares: Non-Finnish European, 0.00059%; no homozygotes.

Submissions (2):

Labcorp Genetics (formerly Invitae), Labcorp
Classification: Uncertain significance for Growth hormone insensitivity with immune dysregulation 1, autosomal recessive. Last evaluated: 2026-01-12. Review status: criteria provided, single submitter. Criteria: Invitae Variant Classification Sherloc (09022015). Collection method: clinical testing. Allele origin: germline.
Comment: This sequence change replaces alanine, which is neutral and non-polar, with valine, which is neutral and non-polar, at codon 20 of the STAT5B protein (p.Ala20Val). This variant is present in population databases (no rsID available, gnomAD 0.01%). This variant has not been reported in the literature in individuals affected with STAT5B-related conditions. ClinVar contains an entry for this variant (Variation ID: 808267). Invitae Evidence Modeling of protein sequence and biophysical properties (such as structural, functional, and spatial information, amino acid conservation, physicochemical variation, residue mobility, and thermodynamic stability) indicates that this missense variant is not expected to disrupt STAT5B protein function with a negative predictive value of 80%. In summary, the available evidence is currently insufficient to determine the role of this variant in disease. Therefore, it has been classified as a Variant of Uncertain Significance.

CeGaT Center for Human Genetics Tuebingen
Classification: Uncertain significance. Last evaluated: 2018-04-01. Review status: criteria provided, single submitter. Criteria: CeGaT Center For Human Genetics Tuebingen Variant Classification Criteria Version 2. Collection method: clinical testing. Allele origin: germline. Affected: yes. Observed: 1 variant allele.

NM_012448.4(STAT5B):c.59C>T (p.Ala20Val)

Gene: STAT5B (signal transducer and activator of transcription 5B; minus strand). Cytogenetic location: 17q21.2.
Variant type: single nucleotide variant.
Coding change: c.59C>T on transcript NM_012448.4 (MANE Select); coding-DNA position 59, C replaced by T.
Protein change: p.Ala20Val; replaces alanine 20 with valine.
Molecular consequence: missense variant.
Genome position (GRCh38, 1-based): chr17:42,232,069, G>A on the plus strand (C>T on the coding strand, the complement: STAT5B is on the minus strand). VCF-style: chr17-42232069-G-A. GRCh37 (hg19) VCF-style: chr17-40384087-G-A.
Other names: short protein forms A20V.
Identifiers: ClinVar variation 808267 (VCV000808267.45), dbSNP rs935891734, ClinGen allele CA290748980.